The following is an entry in ClinVar:

Conditions:
Breast-ovarian cancer, familial, susceptibility to, 1 (BROVCA1). Also called: BRCA1 Hereditary Breast and Ovarian Cancer; OVARIAN CANCER, SUSCEPTIBILITY TO. Identifiers: Orphanet 145, MedGen C2676676, MONDO:0011450, OMIM 604370. Disease mechanism: loss of function.

Submission:

Brotman Baty Institute, University of Washington
No classification provided (evidence only). Condition: Breast-ovarian cancer, familial 1. Review status: no classification provided. Collection method: in vitro. Allele origin: not applicable. Functional consequence: functionally_normal.
ClinVar note: "not provided" was previously submitted as the classification for the variant. However, the classification appeared to be based only on an observation of functional data so it was converted to no classification on 2025-07-30.

NM_007294.4(BRCA1):c.5153-8C>T

Gene: BRCA1 (BRCA1 DNA repair associated; minus strand). Cytogenetic location: 17q21.31.
Variant type: single nucleotide variant.
Coding change: c.5153-8C>T on transcript NM_007294.4 (MANE Select); 8 bases into the intron before coding-DNA position 5153, C replaced by T.
Molecular consequence: intron variant.
Genome position (GRCh38, 1-based): chr17:43,063,381, G>A on the plus strand (C>T on the coding strand, the complement: BRCA1 is on the minus strand). VCF-style: chr17-43063381-G-A. GRCh37 (hg19) VCF-style: chr17-41215398-G-A.
Other names: c.1700-8C>T (NM_001408458.1, NM_001408461.1, NM_001408464.1 and 7 more transcripts); c.4262-8C>T (NM_001407967.1); c.4772-8C>T (NM_001407959.1); c.4886-8C>T (NM_001407931.1, NM_001407932.1, NM_001407928.1 and 4 more transcripts); c.5009-8C>T (NM_001407747.1, NM_001407745.1, NM_001407737.1 and 21 more transcripts); c.4769-8C>T (NM_001407962.1, NM_001407960.1); c.1340-8C>T (NM_001408512.1); c.1463-8C>T (NM_001408510.1); and 72 more.
Identifiers: ClinVar variation 867422 (VCV000867422.3), dbSNP rs1060504570, ClinGen allele CA916080056.